The following is an entry in ClinVar:

NM_001394669.1(CCDC57):c.1751C>G (p.Ala584Gly)

Gene: CCDC57 (coiled-coil domain containing 57; minus strand). Cytogenetic location: 17q25.3.
Variant type: single nucleotide variant.
Coding change: c.1751C>G on transcript NM_001394669.1 (MANE Select); coding-DNA position 1751, C replaced by G.
Protein change: p.Ala584Gly; replaces alanine 584 with glycine.
Molecular consequence: missense variant.
Genome position (GRCh38, 1-based): chr17:82,171,832, G>C on the plus strand (C>G on the coding strand, the complement: CCDC57 is on the minus strand). VCF-style: chr17-82171832-G-C. GRCh37 (hg19) VCF-style: chr17-80129708-G-C.
Other names: c.1751C>G, p.Ala584Gly (NM_001316321.3, NM_001394670.1, NM_198082.4); c.275C>G, p.Ala92Gly (NM_001367828.2); short protein forms A584G, A92G.
Identifiers: ClinVar variation 2648487 (VCV002648487.24), dbSNP rs184132863, ClinGen allele CA8854205.

ClinVar aggregate classification (germline): Likely benign (1 of 4 stars; one submission).

Allele frequency attached by ClinVar (database versions not stated): gnomAD exomes 0.00012; ExAC 0.00039; ESP Exome Variant Server 0.00091; gnomAD 0.00095; TOPMed 0.00113; 1000 Genomes Project 0.00140; 1000 Genomes Project 30x 0.00141.
gnomAD v4.1: 325 of 1,613,580 alleles (0.02%); highest among the groups gnomAD compares: African/African-American, 0.39%; 2 homozygotes.

Submission:

CeGaT Center for Human Genetics Tuebingen
Classification: Likely benign. Last evaluated: 2022-09-01. Review status: criteria provided, single submitter. Criteria: CeGaT Center For Human Genetics Tuebingen Variant Classification Criteria Version 2. Collection method: clinical testing. Allele origin: germline. Affected: yes. Observed: 1 variant allele.
Comment: CCDC57: BP4